The following is an entry in ClinVar:

NM_015681.6(B9D1):c.143A>G (p.Glu48Gly)

Gene: B9D1 (B9 domain containing 1; minus strand). Cytogenetic location: 17p11.2.
Variant type: single nucleotide variant.
Coding change: c.143A>G on transcript NM_015681.6 (MANE Select); coding-DNA position 143, A replaced by G.
Protein change: p.Glu48Gly; replaces glutamic acid 48 with glycine.
Molecular consequence: missense variant. On other transcripts: 5 prime UTR variant (1).
Genome position (GRCh38, 1-based): chr17:19,357,941, T>C on the plus strand (A>G on the coding strand, the complement: B9D1 is on the minus strand). VCF-style: chr17-19357941-T-C. GRCh37 (hg19) VCF-style: chr17-19261254-T-C.
Other names: c.143A>G, p.Glu48Gly (NM_001321214.2, NM_001321215.3, NM_001321216.2 and 4 more transcripts); c.-218A>G (NM_001368769.2); short protein forms E48G.
Identifiers: ClinVar variation 947859 (VCV000947859.6), dbSNP rs773267624, ClinGen allele CA8440338.

ClinVar aggregate classification (germline): Uncertain significance (1 of 4 stars; one submission).

Conditions:
Meckel-Gruber syndrome. Also called: Dysencephalia splachnocystica; DYSENCEPHALIA SPLANCHNOCYSTICA; GRUBER SYNDROME. Identifiers: Orphanet 564, MedGen C0265215, MONDO:0018921.
Joubert syndrome. Also called: Familial aplasia of the vermis; CEREBELLOPARENCHYMAL DISORDER IV; JOUBERT-BOLTSHAUSER SYNDROME. Identifiers: Orphanet 475, MedGen C5979921, MONDO:0018772.

Allele frequency attached by ClinVar (database versions not stated): TOPMed below 0.00001; gnomAD 0.00001; gnomAD exomes 0.00002 and 0.00003; ExAC 0.00005.
gnomAD v4.1: 26 of 1,613,638 alleles (0.0016%); highest among the groups gnomAD compares: Non-Finnish European, 0.0021%; no homozygotes.

Submission:

Labcorp Genetics (formerly Invitae), Labcorp
Classification: Uncertain significance for Joubert syndrome; Meckel-Gruber syndrome. Last evaluated: 2020-06-06. Review status: criteria provided, single submitter. Criteria: Invitae Variant Classification Sherloc (09022015). Collection method: clinical testing. Allele origin: germline.
Comment: In summary, the available evidence is currently insufficient to determine the role of this variant in disease. Therefore, it has been classified as a Variant of Uncertain Significance. Algorithms developed to predict the effect of missense changes on protein structure and function do not agree on the potential impact of this missense change (SIFT: "Tolerated"; PolyPhen-2: "Probably Damaging"; Align-GVGD: "Class C0"). This variant has not been reported in the literature in individuals with B9D1-related disease. This variant is present in population databases (rs773267624, ExAC 0.009%). This sequence change replaces glutamic acid with glycine at codon 48 of the B9D1 protein (p.Glu48Gly). The glutamic acid residue is highly conserved and there is a moderate physicochemical difference between glutamic acid and glycine.